The following is an entry in ClinVar:

NM_005219.5(DIAPH1):c.114A>G (p.Lys38=)

Gene: DIAPH1 (diaphanous related formin 1; minus strand). Cytogenetic location: 5q31.3.
Variant type: single nucleotide variant.
Coding change: c.114A>G on transcript NM_005219.5 (MANE Select); coding-DNA position 114, A replaced by G.
Protein change: p.Lys38=; no amino-acid change (lysine 38 retained).
Molecular consequence: synonymous variant.
Genome position (GRCh38, 1-based): chr5:141,618,801, T>C on the plus strand (A>G on the coding strand, the complement: DIAPH1 is on the minus strand). VCF-style: chr5-141618801-T-C. GRCh37 (hg19) VCF-style: chr5-140998368-T-C.
Other names: c.114A>G, p.Lys38= (NM_001079812.3, NM_001314007.2).
Identifiers: ClinVar variation 1512046 (VCV001512046.6), dbSNP rs2154597561, ClinGen allele CA446893338.

ClinVar aggregate classification (germline): Uncertain significance (1 of 4 stars; one submission).

Conditions:
Progressive microcephaly-seizures-cortical blindness-developmental delay syndrome. Also called: Seizures, cortical blindness, and microcephaly syndrome. Identifiers: Orphanet 477814, MedGen C5567650, MONDO:0014714, OMIM 616632.
Autosomal dominant nonsyndromic hearing loss 1. Also called: DEAFNESS, AUTOSOMAL DOMINANT 1, WITH OR WITHOUT THROMBOCYTOPENIA; KONIGSMARK SYNDROME. Identifiers: Orphanet 90635, MedGen C1852282, MONDO:0007424, OMIM 124900.

Submission:

Labcorp Genetics (formerly Invitae), Labcorp
Classification: Uncertain significance for Progressive microcephaly-seizures-cortical blindness-developmental delay syndrome; Autosomal dominant nonsyndromic hearing loss 1. Last evaluated: 2021-08-11. Review status: criteria provided, single submitter. Criteria: Invitae Variant Classification Sherloc (09022015). Collection method: clinical testing. Allele origin: germline.
Comment: This variant is not present in population databases (ExAC no frequency). In summary, the available evidence is currently insufficient to determine the role of this variant in disease. Therefore, it has been classified as a Variant of Uncertain Significance. Algorithms developed to predict the effect of sequence changes on RNA splicing suggest that this variant may create or strengthen a splice site. This variant has not been reported in the literature in individuals affected with DIAPH1-related conditions. This sequence change affects codon 38 of the DIAPH1 mRNA. It is a 'silent' change, meaning that it does not change the encoded amino acid sequence of the DIAPH1 protein.